The following is an entry in ClinVar:

NM_003560.4(PLA2G6):c.68G>A (p.Arg23Gln)

Gene: PLA2G6 (phospholipase A2 group VI; minus strand). Cytogenetic location: 22q13.1.
Variant type: single nucleotide variant.
Coding change: c.68G>A on transcript NM_003560.4 (MANE Select); coding-DNA position 68, G replaced by A.
Protein change: p.Arg23Gln; replaces arginine 23 with glutamine.
Molecular consequence: missense variant. On other transcripts: 5 prime UTR variant (3).
Genome position (GRCh38, 1-based): chr22:38,169,359, C>T on the plus strand (G>A on the coding strand, the complement: PLA2G6 is on the minus strand). VCF-style: chr22-38169359-C-T. GRCh37 (hg19) VCF-style: chr22-38565366-C-T.
Other names: c.68G>A, p.Arg23Gln (NM_001004426.3, NM_001199562.3, NM_001349864.2 and 2 more transcripts); c.-598G>A (NM_001349867.2, NM_001349869.2); c.-423G>A (NM_001349868.2); short protein forms R23Q.
Identifiers: ClinVar variation 159776 (VCV000159776.16), dbSNP rs372291638, ClinGen allele CA173286.

ClinVar aggregate classification (germline): Conflicting classifications of pathogenicity. Review status: criteria provided, conflicting classifications (1 of 4 stars). 5 submissions from 5 submitters: Likely pathogenic (2); Uncertain significance (3). Last evaluated 2025-11-25.

Conditions:
PLA2G6-related disorder. Also called: PLA2G6-related condition.
Autosomal recessive Parkinson disease 14. Also called: DYSTONIA-PARKINSONISM, ADULT-ONSET; PARKINSON DISEASE 14. Identifiers: Orphanet 199351, MedGen C2751842, MONDO:0013060, OMIM 612953.
Infantile neuroaxonal dystrophy (NBIA2A). Also called: SEITELBERGER DISEASE; Infantile neuroaxonal dystrophy 1; NEURODEGENERATION WITH BRAIN IRON ACCUMULATION 2A. Identifiers: Orphanet 35069, MedGen C0270724, MONDO:0024457, OMIM 256600.
Neurodegeneration with brain iron accumulation 2B. Also called: NEUROAXONAL DYSTROPHY, ATYPICAL; NEURODEGENERATION WITH BRAIN IRON ACCUMULATION, PLA2G6-RELATED; aNAD; atypical Neuroaxonal Dystrophy (aNAD). Identifiers: Orphanet 35069, MedGen C1857747, MONDO:0012444, OMIM 610217.
Iron accumulation in brain. Identifiers: MedGen C4021076, HP:0012675.

Allele frequency attached by ClinVar (database versions not stated): gnomAD 0.00001; gnomAD exomes 0.00001; TOPMed 0.00001; ExAC 0.00002; ESP Exome Variant Server 0.00008.

Submissions (5):

Labcorp Genetics (formerly Invitae), Labcorp
Classification: Likely pathogenic for Infantile neuroaxonal dystrophy. Last evaluated: 2025-11-25. Review status: criteria provided, single submitter. Criteria: Invitae Variant Classification Sherloc (09022015). Collection method: clinical testing. Allele origin: germline.
Comment: This sequence change replaces arginine, which is basic and polar, with glutamine, which is neutral and polar, at codon 23 of the PLA2G6 protein (p.Arg23Gln). This variant is present in population databases (rs372291638, gnomAD 0.01%). This missense change has been observed in individuals with developmental delay and/or infantile neuroaxonal dystrophy (PMID: 26829737, 32005694, 34272103, 39202603). ClinVar contains an entry for this variant (Variation ID: 159776). Invitae Evidence Modeling of protein sequence and biophysical properties (such as structural, functional, and spatial information, amino acid conservation, physicochemical variation, residue mobility, and thermodynamic stability) indicates that this missense variant is not expected to disrupt PLA2G6 protein function with a negative predictive value of 80%. Algorithms developed to predict the effect of sequence changes on RNA splicing suggest that this variant may disrupt the consensus splice site. In summary, the currently available evidence indicates that the variant is pathogenic, but additional data are needed to prove that conclusively. Therefore, this variant has been classified as Likely Pathogenic.

Fulgent Genetics
Classification: Uncertain significance for Infantile neuroaxonal dystrophy; Neurodegeneration with brain iron accumulation 2B; Autosomal recessive Parkinson disease 14. Last evaluated: 2021-09-29. Review status: criteria provided, single submitter. Criteria: ACMG Guidelines, 2015. Collection method: clinical testing. Allele origin: unknown.

GeneDx
Classification: Uncertain significance. Last evaluated: 2020-10-27. Review status: criteria provided, single submitter. Criteria: GeneDx Variant Classification Process June 2021. Collection method: clinical testing. Allele origin: germline. Affected: yes.
Comment: Apparently reported (using c. nomenclature )in the homozygous state in a child with infantile neuroaxonal dystrophy [Abstract access only]; please note that the full publication is not written in English (Wang et al., 2016); Not observed at a significant frequency in large population cohorts (Lek et al., 2016); In silico analysis supports that this missense variant has a deleterious effect on splicing; In silico analysis supports that this missense variant has a deleterious effect on protein structure/function; This variant is associated with the following publications: (PMID: 26829737)

Blueprint Genetics
Classification: Likely pathogenic for PLA2G6-related disorders. Last evaluated: 2018-10-19. Review status: criteria provided, single submitter. Criteria: ACMG Guidelines, 2015. Collection method: clinical testing. Allele origin: germline. Affected: yes. Observed: 1 variant allele.

Genetic Services Laboratory, University of Chicago
Classification: Uncertain significance for iron accumulation in brain. Last evaluated: 2013-02-08. Review status: criteria provided, single submitter. Criteria: ACMG Guidelines, 2007. Collection method: clinical testing. Allele origin: germline. Inheritance: Autosomal recessive inheritance.

Literature cited by the submitters: PubMed 26829737 (cited by Labcorp Genetics (formerly Invitae), Labcorp); PubMed 32005694 (cited by Labcorp Genetics (formerly Invitae), Labcorp); PubMed 34272103 (cited by Labcorp Genetics (formerly Invitae), Labcorp); PubMed 39202603 (cited by Labcorp Genetics (formerly Invitae), Labcorp).